The following is an entry in ClinVar:

ClinVar aggregate classification (germline): Uncertain significance. Review status: criteria provided, multiple submitters, no conflicts (2 of 4 stars). 4 submissions from 4 submitters: Uncertain significance (3). 1 of the submissions does not count toward it. Last evaluated 2026-08-30.

Conditions:
RDH12-related disorder. Also called: RDH12-related disorders; RDH12-related condition.
Leber congenital amaurosis (LCA). Also called: Leber's amaurosis. Identifiers: Orphanet 65, MedGen C0339527, MeSH D057130, MONDO:0018998.
Leber congenital amaurosis 13 (LCA13). Identifiers: MedGen C2675186, MONDO:0012990, OMIM 612712.

Allele frequency attached by ClinVar (database versions not stated): gnomAD exomes 0.00007 and 0.00016; ESP Exome Variant Server 0.00008; TOPMed 0.00014; gnomAD 0.00017 and 0.00019; ExAC 0.00020; 1000 Genomes Project 30x 0.00062; 1000 Genomes Project 0.00080.
gnomAD v4.1: 129 of 1,614,208 alleles (0.008%); highest among the groups gnomAD compares: East Asian, 0.085%; 1 homozygote.

Submissions (4):

PreventionGenetics, part of Exact Sciences
Classification: Uncertain significance for RDH12-related condition. Last evaluated: 2026-08-30. Review status: criteria provided, single submitter. Criteria: ACMG Guidelines, 2015. Collection method: clinical testing. Allele origin: germline.
Comment: The RDH12 c.577C>T variant is predicted to result in the amino acid substitution p.Arg193Cys. To our knowledge, this variant has not been reported in the literature. This variant is reported in 0.14% of alleles in individuals of East Asian descent in gnomAD, which may be too frequent to be a primary cause of disease. Although we suspect that this variant may be benign, at this time, the clinical significance of this variant is uncertain due to the absence of conclusive functional and genetic evidence.

Labcorp Genetics (formerly Invitae), Labcorp
Classification: Uncertain significance for Leber congenital amaurosis 13. Last evaluated: 2025-01-20. Review status: criteria provided, single submitter. Criteria: Invitae Variant Classification Sherloc (09022015). Collection method: clinical testing. Allele origin: germline.
Comment: This sequence change replaces arginine, which is basic and polar, with cysteine, which is neutral and slightly polar, at codon 193 of the RDH12 protein (p.Arg193Cys). This variant is present in population databases (rs148629905, gnomAD 0.1%). This variant has not been reported in the literature in individuals affected with RDH12-related conditions. ClinVar contains an entry for this variant (Variation ID: 968175). Invitae Evidence Modeling of protein sequence and biophysical properties (such as structural, functional, and spatial information, amino acid conservation, physicochemical variation, residue mobility, and thermodynamic stability) indicates that this missense variant is not expected to disrupt RDH12 protein function with a negative predictive value of 80%. In summary, the available evidence is currently insufficient to determine the role of this variant in disease. Therefore, it has been classified as a Variant of Uncertain Significance.

Blueprint Genetics
Classification: Uncertain significance. Last evaluated: 2024-06-17. Review status: criteria provided, single submitter. Criteria: ACMG Guidelines, 2015. Collection method: clinical testing. Allele origin: germline.

Natera, Inc.
Classification: Uncertain significance for Leber congenital amaurosis. Last evaluated: 2020-01-16. Review status: no assertion criteria provided. Collection method: clinical testing. Allele origin: germline. Not counted in ClinVar's aggregate classification.

NM_152443.3(RDH12):c.577C>T (p.Arg193Cys)

Genes: GPHN (gephyrin; plus strand), RDH12 (retinol dehydrogenase 12; plus strand). Cytogenetic location: 14q24.1.
Variant type: single nucleotide variant.
Coding change: c.577C>T on transcript NM_152443.3 (MANE Select); coding-DNA position 577, C replaced by T.
Protein change: p.Arg193Cys; replaces arginine 193 with cysteine.
Molecular consequence: missense variant.
Genome position (GRCh38, 1-based): chr14:67,727,109, C>T. VCF-style: chr14-67727109-C-T. GRCh37 (hg19) VCF-style: chr14-68193826-C-T.
Other names: short protein forms R193C.
Identifiers: ClinVar variation 968175 (VCV000968175.7), dbSNP rs148629905, ClinGen allele CA7238753.